The following is an entry in ClinVar:

NM_015443.4(KANSL1):c.3090+165C>T

Gene: KANSL1 (KAT8 regulatory NSL complex subunit 1). Cytogenetic location: 17q21.31.
Variant type: single nucleotide variant.
Coding change: c.3090+165C>T on transcript NM_015443.4 (MANE Select); 165 bases into the intron after coding-DNA position 3090, C replaced by T.
Molecular consequence: intron variant.
Genome position (GRCh38, 1-based): chr17:46,031,882, G>A on the plus strand (C>T on the coding strand, the complement: KANSL1 is on the minus strand). VCF-style: chr17-46031882-G-A. GRCh37 (hg19) VCF-style: chr17-44109248-G-A.
Other names: c.3087+165C>T (NM_001193465.2); c.3090+165C>T (NM_001379198.1, NM_001193466.2).
Identifiers: ClinVar variation 670433 (VCV000670433.2), dbSNP rs55881134, ClinGen allele CA14404205.

ClinVar aggregate classification (germline): Benign. Review status: criteria provided, multiple submitters, no conflicts (2 of 4 stars). 2 submissions from 2 submitters: Benign (2). Last evaluated 2018-06-14.

Allele frequency attached by ClinVar (database versions not stated): 1000 Genomes Project 30x 0.08542; 1000 Genomes Project 0.08626; gnomAD 0.14183 and 0.14471; TOPMed 0.14808; gnomAD exomes 0.18745.
gnomAD v4.1: 196,132 of 1,085,086 alleles (18%); highest among the groups gnomAD compares: Non-Finnish European, 22%; 20,587 homozygotes.

Submissions (2):

GeneDx
Classification: Benign. Last evaluated: 2018-06-14. Review status: criteria provided, single submitter. Criteria: GeneDx Variant Classification (06012015). Collection method: clinical testing. Allele origin: germline. Affected: yes.
Comment: This variant is considered likely benign or benign based on one or more of the following criteria: it is a conservative change, it occurs at a poorly conserved position in the protein, it is predicted to be benign by multiple in silico algorithms, and/or has population frequency not consistent with disease.

Breakthrough Genomics
Classification: Benign. Review status: criteria provided, single submitter. Criteria: ACMG Guidelines, 2015. Collection method: not provided. Allele origin: germline. Inheritance: Autosomal dominant inheritance. Affected: yes.